The following is an entry in ClinVar:

ClinVar aggregate classification (germline): Uncertain significance. Review status: criteria provided, multiple submitters, no conflicts (2 of 4 stars). 2 submissions from 2 submitters: Uncertain significance (2). Last evaluated 2026-06-12.

Conditions:
Inborn genetic diseases. Identifiers: MedGen C0950123, MeSH D030342.

gnomAD v4.1: 2 of 1,591,446 alleles (0.00013%); highest among the groups gnomAD compares: African/African-American, 0.0027%; no homozygotes.

Submissions (2):

Women's Health and Genetics/Laboratory Corporation of America, LabCorp
Classification: Uncertain significance. Last evaluated: 2026-06-12. Review status: criteria provided, single submitter. Criteria: LabCorp Variant Classification Summary - May 2015. Collection method: clinical testing. Allele origin: germline.
Comment: Variant summary: INTS1 c.4846G>A (p.Gly1616Ser) results in a non-conservative amino acid change in the encoded protein sequence. Algorithms developed to predict the effect of missense changes on protein structure and function are either unavailable or do not agree on the potential impact of this missense change. The variant was absent in 209796 control chromosomes. The available data on variant occurrences in the general population are insufficient to allow any conclusion about variant significance. To our knowledge, no occurrence of c.4846G>A in individuals affected with INTS1-related conditions and no experimental evidence demonstrating its impact on protein function have been reported. ClinVar contains an entry for this variant (Variation ID: 3529368). Based on the evidence outlined above, the variant was classified as uncertain significance.

Ambry Genetics
Classification: Uncertain significance for Inborn genetic diseases. Last evaluated: 2024-08-10. Review status: criteria provided, single submitter. Criteria: Ambry Variant Classification Scheme 2023. Collection method: clinical testing. Allele origin: germline.

NM_001080453.3(INTS1):c.4846G>A (p.Gly1616Ser)

Gene: INTS1 (integrator complex subunit 1; minus strand). Cytogenetic location: 7p22.3.
Variant type: single nucleotide variant.
Coding change: c.4846G>A on transcript NM_001080453.3 (MANE Select); coding-DNA position 4846, G replaced by A.
Protein change: p.Gly1616Ser; replaces glycine 1616 with serine.
Molecular consequence: missense variant.
Genome position (GRCh38, 1-based): chr7:1,477,642, C>T on the plus strand (G>A on the coding strand, the complement: INTS1 is on the minus strand). VCF-style: chr7-1477642-C-T. GRCh37 (hg19) VCF-style: chr7-1517278-C-T.
Other names: short protein forms G1616S.
Identifiers: ClinVar variation 3529368 (VCV003529368.2).
Genomic context (GRCh38, chr7:1,477,642, plus strand): 5'-GGTCGGGGCAGCTGCTGACCACCTCGGGGTCCAGCATTTCCAGCCAGTCCACTAGGAGGC[C>T]TGACGAGGGCCCCAGCCGCACGGCCTCCAGGCTGCAGGGAGAAGGTGGCTCAGGGAAGGG-3'
Protein context (NP_001073922.2, residues 1606-1626): LEAVRLGPSS[Gly1616Ser]LLVDWLEMLD